The following is an entry in ClinVar:

NM_004329.3(BMPR1A):c.1586A>G (p.Asp529Gly)

Gene: BMPR1A (bone morphogenetic protein receptor type 1A; plus strand). Cytogenetic location: 10q23.2.
Variant type: single nucleotide variant.
Coding change: c.1586A>G on transcript NM_004329.3 (MANE Select); coding-DNA position 1586, A replaced by G.
Protein change: p.Asp529Gly; replaces aspartic acid 529 with glycine.
Molecular consequence: missense variant. On other transcripts: non-coding transcript variant (3).
Genome position (GRCh38, 1-based): chr10:86,923,706, A>G. VCF-style: chr10-86923706-A-G. GRCh37 (hg19) VCF-style: chr10-88683463-A-G.
Other names: c.1661A>G, p.Asp554Gly (NM_001406559.1); c.1634A>G, p.Asp545Gly (NM_001406560.1); c.1586A>G, p.Asp529Gly (NM_001406561.1, NM_001406562.1, NM_001406563.1 and 19 more transcripts); c.1580A>G, p.Asp527Gly (NM_001406583.1); c.1502A>G, p.Asp501Gly (NM_001406584.1, NM_001406585.1, NM_001406586.1 and 2 more transcripts); c.1244A>G, p.Asp415Gly (NM_001406589.1); short protein forms D554G, D415G, D527G, D545G, D501G, D529G.
Identifiers: ClinVar variation 3824716 (VCV003824716.1).
Genomic context (GRCh38, chr10:86,923,706, plus strand): 5'-CCTCCAGACTCACAGCATTGAGAATTAAGAAGACGCTTGCCAAGATGGTTGAATCCCAAG[A>G]TGTAAAAATCTGATGGTTAAACCATCGGAGGAGAAACTCTAGACTGCAAGAACTGTTTTT-3'
Protein context (NP_004320.2, residues 519-532): KTLAKMVESQ[Asp529Gly]VKI

ClinVar aggregate classification (germline): Uncertain significance (1 of 4 stars; one submission).

Conditions:
Hereditary cancer-predisposing syndrome. Also called: Hereditary neoplastic syndrome; Neoplastic Syndromes, Hereditary; Tumor predisposition; Hereditary Cancer Syndrome. Identifiers: Orphanet 140162, MedGen C0027672, MeSH D009386, MONDO:0015356.

Submission:

Ambry Genetics
Classification: Uncertain significance for Hereditary cancer-predisposing syndrome. Last evaluated: 2025-01-29. Review status: criteria provided, single submitter. Criteria: Ambry Variant Classification Scheme 2023. Collection method: clinical testing. Allele origin: germline.
Comment: The p.D529G variant (also known as c.1586A>G), located in coding exon 11 of the BMPR1A gene, results from an A to G substitution at nucleotide position 1586. The aspartic acid at codon 529 is replaced by glycine, an amino acid with similar properties. This amino acid position is highly conserved in available vertebrate species. In addition, the in silico prediction for this alteration is inconclusive. Based on the available evidence, the clinical significance of this variant remains unclear.